The following is an entry in ClinVar:

ClinVar aggregate classification (germline): Uncertain significance. Review status: criteria provided, multiple submitters, no conflicts (2 of 4 stars). 2 submissions from 2 submitters: Uncertain significance (2). Last evaluated 2025-12-15.

Conditions:
Congenital myasthenic syndrome 17. Identifiers: Orphanet 590, MedGen C4225377, MONDO:0014578, OMIM 616304.
Cenani-Lenz syndactyly syndrome. Also called: CENANI SYNDACTYLISM; SYNDACTYLY, TYPE VII. Identifiers: Orphanet 3258, MedGen C1859309, MONDO:0008931, OMIM 212780.
Sclerosteosis 2 (SOST2). Identifiers: Orphanet 3152, MedGen C3280402, MONDO:0013679, OMIM 614305.
Inborn genetic diseases. Identifiers: MedGen C0950123, MeSH D030342.

Allele frequency attached by ClinVar (database versions not stated): gnomAD exomes below 0.00001.
gnomAD v4.1: 1 of 1,614,248 alleles (0.000062%); highest among the groups gnomAD compares: Non-Finnish European, 0.000085%; no homozygotes.

Submissions (2):

Ambry Genetics
Classification: Uncertain significance for Inborn genetic diseases. Last evaluated: 2025-12-15. Review status: criteria provided, single submitter. Criteria: Ambry Variant Classification Scheme 2023. Collection method: clinical testing. Allele origin: germline.

Labcorp Genetics (formerly Invitae), Labcorp
Classification: Uncertain significance for Cenani-Lenz syndactyly syndrome; Sclerosteosis 2; Congenital myasthenic syndrome 17. Last evaluated: 2019-05-09. Review status: criteria provided, single submitter. Criteria: Invitae Variant Classification Sherloc (09022015). Collection method: clinical testing. Allele origin: germline.
Comment: This sequence change replaces histidine with tyrosine at codon 456 of the LRP4 protein (p.His456Tyr). The histidine residue is highly conserved and there is a moderate physicochemical difference between histidine and tyrosine. This variant is not present in population databases (ExAC no frequency). This variant has not been reported in the literature in individuals with LRP4-related disease. Algorithms developed to predict the effect of missense changes on protein structure and function do not agree on the potential impact of this missense change (SIFT: "Deleterious"; PolyPhen-2: "Benign"; Align-GVGD: "Class C65"). In summary, the available evidence is currently insufficient to determine the role of this variant in disease. Therefore, it has been classified as a Variant of Uncertain Significance.

NM_002334.4(LRP4):c.1366C>T (p.His456Tyr)

Gene: LRP4 (LDL receptor related protein 4; minus strand). Cytogenetic location: 11p11.2.
Variant type: single nucleotide variant.
Coding change: c.1366C>T on transcript NM_002334.4 (MANE Select); coding-DNA position 1366, C replaced by T.
Protein change: p.His456Tyr; replaces histidine 456 with tyrosine.
Molecular consequence: missense variant.
Genome position (GRCh38, 1-based): chr11:46,894,763, G>A on the plus strand (C>T on the coding strand, the complement: LRP4 is on the minus strand). VCF-style: chr11-46894763-G-A. GRCh37 (hg19) VCF-style: chr11-46916314-G-A.
Other names: short protein forms H456Y.
Identifiers: ClinVar variation 535795 (VCV000535795.11), dbSNP rs1555174047, ClinGen allele CA380285891.
Genomic context (GRCh38, chr11:46,894,763, plus strand): 5'-GGAAATCAAGGGCAATGGCATTCTCCAGGTTGTTAAGCAGCAGTGTGTACTCAGAGCGGT[G>A]TGGCAGCACCTGCCGGATGTCGATGCGATTGGCGAACAGCAGCACAGGCTCTGGCCCTGG-3'
Protein context (NP_002325.2, residues 446-466): NRIDIRQVLP[His456Tyr]RSEYTLLLNN